The following is an entry in ClinVar:

ClinVar aggregate classification (germline): Conflicting classifications of pathogenicity. Review status: criteria provided, conflicting classifications (1 of 4 stars). 2 submissions from 2 submitters: Uncertain significance (1); Likely benign (1). Last evaluated 2024-05-06.

Conditions:
Duchenne muscular dystrophy (DMD). Also called: MUSCULAR DYSTROPHY, PSEUDOHYPERTROPHIC PROGRESSIVE, DUCHENNE TYPE; Duchenne Muscular Dystrophy (DMD). Identifiers: Orphanet 98896, MedGen C0013264, MONDO:0010679, OMIM 310200.
Cardiovascular phenotype. Identifiers: MedGen CN230736.

Allele frequency attached by ClinVar (database versions not stated): TOPMed 0.00002; gnomAD exomes 0.00001.
gnomAD v4.1: 5 of 1,211,611 alleles (0.00041%); highest among the groups gnomAD compares: Admixed American, 0.0087%; no homozygotes.

Submissions (2):

Labcorp Genetics (formerly Invitae), Labcorp
Classification: Likely benign for Duchenne muscular dystrophy. Last evaluated: 2024-05-06. Review status: criteria provided, single submitter. Criteria: Invitae Variant Classification Sherloc (09022015). Collection method: clinical testing. Allele origin: germline.

Ambry Genetics
Classification: Uncertain significance for Cardiovascular phenotype. Last evaluated: 2021-07-20. Review status: criteria provided, single submitter. Criteria: Ambry Variant Classification Scheme 2023. Collection method: clinical testing. Allele origin: germline.
Comment: The p.F2784L variant (also known as c.8350T>C), located in coding exon 56 of the DMD gene, results from a T to C substitution at nucleotide position 8350. The phenylalanine at codon 2784 is replaced by leucine, an amino acid with highly similar properties. Based on data from gnomAD, the C allele has an overall frequency of 0.002% (4/183425) total alleles studied, with 1 hemizygote observed. The highest observed frequency was 0.01% (4/27420) of Latino/Admixed American alleles. This amino acid position is not well conserved in available vertebrate species, and leucine is the reference amino acid in other vertebrate species. In addition, this alteration is predicted to be tolerated by in silico analysis. Since supporting evidence is limited at this time, the clinical significance of this alteration remains unclear.

NM_004006.3(DMD):c.8350T>C (p.Phe2784Leu)

Gene: DMD (dystrophin; minus strand). Cytogenetic location: Xp21.1.
Variant type: single nucleotide variant.
Coding change: c.8350T>C on transcript NM_004006.3 (MANE Select); coding-DNA position 8350, T replaced by C.
Protein change: p.Phe2784Leu; replaces phenylalanine 2784 with leucine.
Molecular consequence: missense variant.
Genome position (GRCh38, 1-based): chrX:31,507,321, A>G on the plus strand (T>C on the coding strand, the complement: DMD is on the minus strand). VCF-style: chrX-31507321-A-G. GRCh37 (hg19) VCF-style: chrX-31525438-A-G.
Other names: c.8326T>C, p.Phe2776Leu (NM_000109.4); c.8338T>C, p.Phe2780Leu (NM_004009.3); c.7981T>C, p.Phe2661Leu (NM_004010.3); c.4327T>C, p.Phe1443Leu (NM_004011.4); c.4318T>C, p.Phe1440Leu (NM_004012.4); c.970T>C, p.Phe324Leu (NM_004013.3, NM_004020.4, NM_004021.3 and 2 more transcripts); c.163T>C, p.Phe55Leu (NM_004014.3); short protein forms F1443L, F2780L, F2661L, F2776L, F2784L, F1440L, F324L, F55L.
Identifiers: ClinVar variation 1763057 (VCV001763057.7), dbSNP rs775998762, ClinGen allele CA328438210.